The following is an entry in ClinVar:

ClinVar aggregate classification (germline): Uncertain significance (1 of 4 stars; one submission).

Conditions:
Immunodeficiency. Identifiers: MedGen C0021051, MONDO:0021094, HP:0002721.

Allele frequency attached by ClinVar (database versions not stated): TOPMed below 0.00001; gnomAD 0.00001.
gnomAD v4.1: 7 of 1,614,102 alleles (0.00043%); highest among the groups gnomAD compares: Admixed American, 0.012%; no homozygotes.

Submission:

Labcorp Genetics (formerly Invitae), Labcorp
Classification: Uncertain significance for Immunodeficiency. Last evaluated: 2024-02-06. Review status: criteria provided, single submitter. Criteria: Invitae Variant Classification Sherloc (09022015). Collection method: clinical testing. Allele origin: germline.
Comment: This sequence change replaces histidine, which is basic and polar, with leucine, which is neutral and non-polar, at codon 937 of the NFAT5 protein (p.His937Leu). This variant is present in population databases (no rsID available, gnomAD 0.01%). This variant has not been reported in the literature in individuals affected with NFAT5-related conditions. ClinVar contains an entry for this variant (Variation ID: 2202802). An algorithm developed to predict the effect of missense changes on protein structure and function (PolyPhen-2) suggests that this variant is likely to be tolerated. In summary, the available evidence is currently insufficient to determine the role of this variant in disease. Therefore, it has been classified as a Variant of Uncertain Significance.

NM_138713.4(NFAT5):c.3092A>T (p.His1031Leu)

Gene: NFAT5 (nuclear factor of activated T cells 5; plus strand). Cytogenetic location: 16q22.1.
Variant type: single nucleotide variant.
Coding change: c.3092A>T on transcript NM_138713.4 (MANE Select); coding-DNA position 3092, A replaced by T.
Protein change: p.His1031Leu; replaces histidine 1031 with leucine.
Molecular consequence: missense variant.
Genome position (GRCh38, 1-based): chr16:69,692,917, A>T. VCF-style: chr16-69692917-A-T. GRCh37 (hg19) VCF-style: chr16-69726820-A-T.
Other names: c.3089A>T, p.His1030Leu (NM_001113178.3); c.2417A>T, p.His806Leu (NM_001367709.1); c.3038A>T, p.His1013Leu (NM_006599.4); c.2810A>T, p.His937Leu (NM_138714.4, NM_173214.3, NM_173215.3); short protein forms H1031L, H806L, H1013L, H937L, H1030L.
Identifiers: ClinVar variation 2202802 (VCV002202802.4), dbSNP rs1235407076, ClinGen allele CA396512233.
Genomic context (GRCh38, chr16:69,692,917, plus strand): 5'-CTGGAACACAAGCAAAACAGATTCAGAACAGTGTCTTTCAGACCATGGTCCAAATGCAAC[A>T]TAGTGGGGACAATCAACCTCAAGTTAACCTTTTTTCATCCACAAAAAGTATGATGAGTGT-3'
Protein context (NP_619727.2, residues 1021-1041): SVFQTMVQMQ[His1031Leu]SGDNQPQVNL